The following is an entry in ClinVar:

NM_017849.4(TMEM127):c.424A>G (p.Thr142Ala)

Gene: TMEM127 (transmembrane protein 127; minus strand). Cytogenetic location: 2q11.2.
Variant type: single nucleotide variant.
Coding change: c.424A>G on transcript NM_017849.4 (MANE Select); coding-DNA position 424, A replaced by G.
Protein change: p.Thr142Ala; replaces threonine 142 with alanine.
Molecular consequence: missense variant.
Genome position (GRCh38, 1-based): chr2:96,254,101, T>C on the plus strand (A>G on the coding strand, the complement: TMEM127 is on the minus strand). VCF-style: chr2-96254101-T-C. GRCh37 (hg19) VCF-style: chr2-96919839-T-C.
Other names: c.424A>G, p.Thr142Ala (NM_001193304.3); c.172A>G, p.Thr58Ala (NM_001407282.1, NM_001407283.1); short protein forms T58A, T142A.
Identifiers: ClinVar variation 2448388 (VCV002448388.4), dbSNP rs936034324, ClinGen allele CA347653140.

ClinVar aggregate classification (germline): Uncertain significance. Review status: criteria provided, multiple submitters, no conflicts (2 of 4 stars). 2 submissions from 2 submitters: Uncertain significance (2). Last evaluated 2025-04-11.

Conditions:
Hereditary cancer-predisposing syndrome. Also called: Neoplastic Syndromes, Hereditary; Tumor predisposition; Hereditary Cancer Syndrome; Hereditary neoplastic syndrome. Identifiers: Orphanet 140162, MedGen C0027672, MeSH D009386, MONDO:0015356.
Hereditary pheochromocytoma and paraganglioma. Also called: Hereditary paragangliomas and pheochromocytomas; Hereditary Paraganglioma-Pheochromocytoma Syndromes; Hereditary pheochromocytoma-paraganglioma. Identifiers: Orphanet 29072, MedGen C4274332, MONDO:0017366.

Submissions (2):

Labcorp Genetics (formerly Invitae), Labcorp
Classification: Uncertain significance for Hereditary pheochromocytoma and paraganglioma. Last evaluated: 2025-04-11. Review status: criteria provided, single submitter. Criteria: Invitae Variant Classification Sherloc (09022015). Collection method: clinical testing. Allele origin: germline.
Comment: This sequence change replaces threonine, which is neutral and polar, with alanine, which is neutral and non-polar, at codon 142 of the TMEM127 protein (p.Thr142Ala). This variant is not present in population databases (gnomAD no frequency). This variant has not been reported in the literature in individuals affected with TMEM127-related conditions. ClinVar contains an entry for this variant (Variation ID: 2448388). An algorithm developed to predict the effect of missense changes on protein structure and function (PolyPhen-2) suggests that this variant is likely to be disruptive. In summary, the available evidence is currently insufficient to determine the role of this variant in disease. Therefore, it has been classified as a Variant of Uncertain Significance.

Ambry Genetics
Classification: Uncertain significance for Hereditary cancer-predisposing syndrome. Last evaluated: 2023-03-03. Review status: criteria provided, single submitter. Criteria: Ambry Variant Classification Scheme 2023. Collection method: clinical testing. Allele origin: germline.
Comment: The p.T142A variant (also known as c.424A>G), located in coding exon 3 of the TMEM127 gene, results from an A to G substitution at nucleotide position 424. The threonine at codon 142 is replaced by alanine, an amino acid with similar properties. This amino acid position is conserved. In addition, the in silico prediction for this alteration is inconclusive. Since supporting evidence is limited at this time, the clinical significance of this alteration remains unclear.